The following is an entry in ClinVar:

ClinVar aggregate classification (germline): Likely benign. Review status: criteria provided, multiple submitters, no conflicts (2 of 4 stars). 2 submissions from 2 submitters: Likely benign (2). Last evaluated 2022-08-11.

Allele frequency attached by ClinVar (database versions not stated): ExAC 0.00001; gnomAD 0.00001; gnomAD exomes 0.00001 and 0.00002; TOPMed 0.00001.
gnomAD v4.1: 13 of 1,612,602 alleles (0.00081%); highest among the groups gnomAD compares: South Asian, 0.0044%; no homozygotes.

Submissions (2):

Blueprint Genetics
Classification: Likely benign. Last evaluated: 2022-08-11. Review status: criteria provided, single submitter. Criteria: ACMG Guidelines, 2015. Collection method: clinical testing. Allele origin: germline.

GeneDx
Classification: Likely benign. Last evaluated: 2016-06-30. Review status: criteria provided, single submitter. Criteria: GeneDx Variant Classification (06012015). Collection method: clinical testing. Allele origin: germline. Affected: yes.
Comment: This variant is considered likely benign or benign based on one or more of the following criteria: it is a conservative change, it occurs at a poorly conserved position in the protein, it is predicted to be benign by multiple in silico algorithms, and/or has population frequency not consistent with disease.

NM_133379.5(TTN):c.12759T>C (p.Tyr4253=)

Gene: TTN (titin; minus strand). Cytogenetic location: 2q31.2.
Variant type: single nucleotide variant.
Coding change: c.12759T>C on transcript NM_133379.5; coding-DNA position 12759, T replaced by C.
Protein change: p.Tyr4253=; no amino-acid change (tyrosine 4253 retained).
Molecular consequence: synonymous variant. On other transcripts: intron variant (6).
Genome position (GRCh38, 1-based): chr2:178,749,641, A>G on the plus strand (T>C on the coding strand, the complement: TTN is on the minus strand). VCF-style: chr2-178749641-A-G. GRCh37 (hg19) VCF-style: chr2-179614368-A-G.
Other names: c.10222+3483T>C (NM_003319.4); c.10798+3483T>C (NM_133437.4); c.10597+3483T>C (NM_133432.3); c.10360+3483T>C (NM_133378.4, NM_001256850.1); c.11311+3483T>C (NM_001267550.2).
Identifiers: ClinVar variation 387439 (VCV000387439.2), dbSNP rs772354003, ClinGen allele CA2003506.
Genomic context (GRCh38, chr2:178,749,641, plus strand): 5'-CTGATCTCTGGAATATTTTCCATAAATTTCACCAATATTTTCGAATTGACTATTTTCTCT[A>G]TAAGTGACAGGCTCCACTGTTAGATCTGAAACACTTTCAACTGCCCCTGAATTGTTTTCA-3'